The following is an entry in ClinVar:

NM_001089.3(ABCA3):c.2141G>A (p.Arg714His)

Gene: ABCA3 (ATP binding cassette subfamily A member 3; minus strand). Cytogenetic location: 16p13.3.
Variant type: single nucleotide variant.
Coding change: c.2141G>A on transcript NM_001089.3 (MANE Select); coding-DNA position 2141, G replaced by A.
Protein change: p.Arg714His; replaces arginine 714 with histidine.
Molecular consequence: missense variant.
Genome position (GRCh38, 1-based): chr16:2,297,451, C>T on the plus strand (G>A on the coding strand, the complement: ABCA3 is on the minus strand). VCF-style: chr16-2297451-C-T. GRCh37 (hg19) VCF-style: chr16-2347452-C-T.
Other names: short protein forms R714H.
Identifiers: ClinVar variation 1501471 (VCV001501471.4), dbSNP rs187784898, ClinGen allele CA7840942.
Genomic context (GRCh38, chr16:2,297,451, plus strand): 5'-GCGATGCGGTCTCCCAGCAGGTCAGCCTCGTCCATGAAGTGGGTGGTCAGCACGATGGTG[C>T]GGTCACTTTTCTGCCGCTGAAGAAGATCCCAGATGGCCCTCCTGGAGATGGCGTCCATGC-3'
Protein context (NP_001080.2, residues 704-724): WDLLQRQKSD[Arg714His]TIVLTTHFMD

ClinVar aggregate classification (germline): Uncertain significance (1 of 4 stars; one submission).

Allele frequency attached by ClinVar (database versions not stated): TOPMed below 0.00001; ExAC 0.00001; gnomAD 0.00001; gnomAD exomes 0.00001; 1000 Genomes Project 30x 0.00016; 1000 Genomes Project 0.00020.
gnomAD v4.1: 16 of 1,613,762 alleles (0.00099%); highest among the groups gnomAD compares: East Asian, 0.0022%; no homozygotes.

Submission:

Labcorp Genetics (formerly Invitae), Labcorp
Classification: Uncertain significance. Last evaluated: 2024-08-27. Review status: criteria provided, single submitter. Criteria: Invitae Variant Classification Sherloc (09022015). Collection method: clinical testing. Allele origin: germline.
Comment: This sequence change replaces arginine, which is basic and polar, with histidine, which is basic and polar, at codon 714 of the ABCA3 protein (p.Arg714His). This variant is present in population databases (rs187784898, gnomAD 0.009%). This variant has not been reported in the literature in individuals affected with ABCA3-related conditions. ClinVar contains an entry for this variant (Variation ID: 1501471). Invitae Evidence Modeling of protein sequence and biophysical properties (such as structural, functional, and spatial information, amino acid conservation, physicochemical variation, residue mobility, and thermodynamic stability) indicates that this missense variant is not expected to disrupt ABCA3 protein function with a negative predictive value of 80%. In summary, the available evidence is currently insufficient to determine the role of this variant in disease. Therefore, it has been classified as a Variant of Uncertain Significance.